The following is an entry in ClinVar:

NM_001174147.2(LMX1B):c.36G>T (p.Arg12Ser)

Gene: LMX1B (LIM homeobox transcription factor 1 beta; plus strand). Cytogenetic location: 9q33.3.
Variant type: single nucleotide variant.
Coding change: c.36G>T on transcript NM_001174147.2 (MANE Select); coding-DNA position 36, G replaced by T.
Protein change: p.Arg12Ser; replaces arginine 12 with serine.
Molecular consequence: missense variant.
Genome position (GRCh38, 1-based): chr9:126,614,485, G>T. VCF-style: chr9-126614485-G-T. GRCh37 (hg19) VCF-style: chr9-129376764-G-T.
Other names: c.36G>T (NM_002316.3); c.36G>T, p.Arg12Ser (NM_001174146.2, NM_002316.4); short protein forms R12S.
Identifiers: ClinVar variation 1718454 (VCV001718454.6), dbSNP rs1564143314, ClinGen allele CA374909432.
Genomic context (GRCh38, chr9:126,614,485, plus strand): 5'-GGGTCCGCAGCGCGCCCCGCGTCCCATGGATATAGCAACAGGTCCCGAGTCGCTGGAGAG[G>T]TGCTTCCCTCGCGGGCAGACGGACTGCGCCAAGATGTTGGACGGCATCAAGATGGAGGAG-3'
Protein context (NP_001167618.1, residues 2-22): DIATGPESLE[Arg12Ser]CFPRGQTDCA

ClinVar aggregate classification (germline): Uncertain significance. Review status: criteria provided, multiple submitters, no conflicts (2 of 4 stars). 2 submissions from 2 submitters: Uncertain significance (2). Last evaluated 2025-05-27.

Conditions:
Inborn genetic diseases. Identifiers: MedGen C0950123, MeSH D030342.

gnomAD v4.1: 3 of 1,599,938 alleles (0.00019%); highest among the groups gnomAD compares: Non-Finnish European, 0.00026%; no homozygotes.

Submissions (2):

Labcorp Genetics (formerly Invitae), Labcorp
Classification: Uncertain significance. Last evaluated: 2025-05-27. Review status: criteria provided, single submitter. Criteria: Invitae Variant Classification Sherloc (09022015). Collection method: clinical testing. Allele origin: germline.
Comment: This sequence change replaces arginine, which is basic and polar, with serine, which is neutral and polar, at codon 12 of the LMX1B protein (p.Arg12Ser). This variant is not present in population databases (gnomAD no frequency). This variant has not been reported in the literature in individuals affected with LMX1B-related conditions. ClinVar contains an entry for this variant (Variation ID: 1718454). An algorithm developed to predict the effect of missense changes on protein structure and function (PolyPhen-2) suggests that this variant is likely to be disruptive. In summary, the available evidence is currently insufficient to determine the role of this variant in disease. Therefore, it has been classified as a Variant of Uncertain Significance.

Ambry Genetics
Classification: Uncertain significance for Inborn genetic diseases. Last evaluated: 2025-01-27. Review status: criteria provided, single submitter. Criteria: Ambry Variant Classification Scheme 2023. Collection method: clinical testing. Allele origin: germline.